The following is an entry in ClinVar:

NM_001378615.1(CC2D2A):c.3083G>A (p.Arg1028Gln)

Genes: CC2D2A (coiled-coil and C2 domain containing 2A; plus strand), FBXL5 (F-box and leucine rich repeat protein 5; minus strand). Cytogenetic location: 4p15.32.
Variant type: single nucleotide variant.
Coding change: c.3083G>A on transcript NM_001378615.1 (MANE Select); coding-DNA position 3083, G replaced by A.
Protein change: p.Arg1028Gln; replaces arginine 1028 with glutamine.
Molecular consequence: missense variant.
Genome position (GRCh38, 1-based): chr4:15,563,423, G>A. VCF-style: chr4-15563423-G-A. GRCh37 (hg19) VCF-style: chr4-15565046-G-A.
Other names: c.3083G>A, p.Arg1028Gln (NM_001080522.2); c.2936G>A, p.Arg979Gln (NM_001378617.1); short protein forms R1028Q, R979Q.
Identifiers: ClinVar variation 2194594 (VCV002194594.5), dbSNP rs775439922, ClinGen allele CA2864074.
Genomic context (GRCh38, chr4:15,563,423, plus strand): 5'-GCCTAAGCCTTTTCAAGCTGGCAGAACAAAAGCGACCACTGCGGCCAAGGAGAAAAGGTC[G>A]GAAGAAGGTGACAGCCCAAAACCTGTCTGATGGAGACATAAAGCTGCTGGTGAACATTGT-3'
Protein context (NP_001365544.1, residues 1018-1038): KRPLRPRRKG[Arg1028Gln]KKVTAQNLSD

ClinVar aggregate classification (germline): Uncertain significance. Review status: criteria provided, multiple submitters, no conflicts (2 of 4 stars). 4 submissions from 4 submitters: Uncertain significance (3). 1 of the submissions does not count toward it. Last evaluated 2023-05-22.

Conditions:
Joubert syndrome. Also called: JOUBERT-BOLTSHAUSER SYNDROME; Familial aplasia of the vermis. Identifiers: Orphanet 475, MedGen C5979921, MONDO:0018772.
Meckel-Gruber syndrome. Also called: DYSENCEPHALIA SPLANCHNOCYSTICA; GRUBER SYNDROME; Dysencephalia splachnocystica. Identifiers: Orphanet 564, MedGen C0265215, MONDO:0018921.
Inborn genetic diseases. Identifiers: MedGen C0950123, MeSH D030342.
Retinal dystrophy. Also called: Inherited retinal dystrophy. Identifiers: Orphanet 71862, MedGen C0854723, MeSH D058499, MONDO:0019118, HP:0000556.

Allele frequency attached by ClinVar (database versions not stated): TOPMed 0.00002; ExAC 0.00003; gnomAD 0.00003.
gnomAD v4.1: 17 of 1,609,854 alleles (0.0011%); highest among the groups gnomAD compares: Middle Eastern, 0.016%; no homozygotes.

Submissions (4):

Ambry Genetics
Classification: Uncertain significance for Inborn genetic diseases. Last evaluated: 2023-05-22. Review status: criteria provided, single submitter. Criteria: Ambry Variant Classification Scheme 2023. Collection method: clinical testing. Allele origin: germline.

Labcorp Genetics (formerly Invitae), Labcorp
Classification: Uncertain significance for Joubert syndrome; Meckel-Gruber syndrome. Last evaluated: 2022-07-05. Review status: criteria provided, single submitter. Criteria: Invitae Variant Classification Sherloc (09022015). Collection method: clinical testing. Allele origin: germline.
Comment: This sequence change replaces arginine, which is basic and polar, with glutamine, which is neutral and polar, at codon 1028 of the CC2D2A protein (p.Arg1028Gln). This variant is present in population databases (rs775439922, gnomAD 0.01%). This variant has not been reported in the literature in individuals affected with CC2D2A-related conditions. Advanced modeling of protein sequence and biophysical properties (such as structural, functional, and spatial information, amino acid conservation, physicochemical variation, residue mobility, and thermodynamic stability) performed at Invitae indicates that this missense variant is expected to disrupt CC2D2A protein function. Algorithms developed to predict the effect of sequence changes on RNA splicing suggest that this variant may create or strengthen a splice site. In summary, the available evidence is currently insufficient to determine the role of this variant in disease. Therefore, it has been classified as a Variant of Uncertain Significance.

Blueprint Genetics
Classification: Uncertain significance. Last evaluated: 2019-12-12. Review status: criteria provided, single submitter. Criteria: ACMG Guidelines, 2015. Collection method: clinical testing. Allele origin: germline.

Institute of Human Genetics, Univ. Regensburg, Univ. Regensburg
Classification: Uncertain significance for Retinal dystrophy. Last evaluated: 2022-01-01. Review status: no assertion criteria provided. Criteria: ACMG Guidelines, 2015. Collection method: clinical testing. Allele origin: germline. Affected: yes. Not counted in ClinVar's aggregate classification.